The following is an entry in ClinVar:

ClinVar aggregate classification (germline): not provided (0 of 4 stars; one submission).

Conditions:
Normal pregnancy. Identifiers: MedGen C0232989.

Submission:

Institute of Molecular and Cell Biology, University of Tartu
No classification provided. Condition: Normal pregnancy. Review status: no classification provided. Collection method: case-control. Allele origin: unknown. Affected: yes. Study: Kasak2014.
Comment: The study aimed to determine the contribution of copy number variants in the genetic etiology of normal and complicated pregnancies. The samples represented (i) maternal blood DNA drawn from healthy pregnant women during 1st or 2nd trimester and (ii) maternal and paternal blood DNA drawn at term pregnancy cases representing normal and complicated gestations (severe preeclampsia, PE; gestational diabetes, GD; small-for-gestational age newborn, SGA; large-for-gestational age newborn, LGA). We performed CNV calling based on genome-wide genotyping dataset (Illumina HumanOmniExpress-24-v1 BeadChip) by applying three algorithms, QuantiSNP, GADA (Genome Alteration Detection Algorithm) and CNstream in parallel. The acquired CNV calls were merged with HD-CNV (Hotspot Detector for Copy Number Variants) program and only the CNVs predicted by at least two programs, were considered in subsequent analysis.

Literature cited by the submitters: PubMed 25666259.

NM_001282658.2(CCDC3):c.-1-17946_-1-16075del

Genes: CCDC3 (coiled-coil domain containing 3; minus strand), LOC107275223 (10p13 CCDC3 medial Alu-mediated recombination region; plus strand). Cytogenetic location: 10p13.
Variant type: Deletion.
Coding change: c.-1-17946_-1-16075del on transcript NM_001282658.2; 17946 bases into the intron before 1 bases upstream of the start codon through 16075 bases into the intron before 1 bases upstream of the start codon, 1,872 bases deleted.
Molecular consequence: intron variant.
Genome position (GRCh38, 1-based): chr10:13,014,587-13,016,458, 1,872 bases deleted. GRCh37 (hg19): chr10:13,056,587-13,058,458.
Identifiers: ClinVar variation 157154 (VCV000157154.2), ClinGen allele CA212259.